The following is an entry in ClinVar:

ClinVar aggregate classification (germline): Conflicting classifications of pathogenicity. Review status: criteria provided, conflicting classifications (1 of 4 stars). 3 submissions from 3 submitters: Uncertain significance (2); Likely benign (1). Last evaluated 2026-03-24.

Conditions:
TTN-related disorder. Also called: TTN-related condition; TTN-related disease; TTN-related disorders.

gnomAD v4.1: 64 of 1,612,808 alleles (0.004%); highest among the groups gnomAD compares: African/African-American, 0.017%; no homozygotes.

Submissions (3):

PreventionGenetics, part of Exact Sciences
Classification: Uncertain significance for TTN-related condition. Last evaluated: 2026-03-24. Review status: criteria provided, single submitter. Criteria: ACMG Guidelines, 2015. Collection method: clinical testing. Allele origin: germline.
Comment: The TTN c.36392G>A variant is predicted to result in the amino acid substitution p.Arg12131His. To our knowledge, this variant has not been reported in the literature. This variant is reported in 0.030% of alleles in individuals of African descent in gnomAD. This variant falls within a highly paralogous region. Allele frequency data should be interpreted with caution. At this time, the clinical significance of this variant is uncertain due to the absence of conclusive functional and genetic evidence.

Women's Health and Genetics/Laboratory Corporation of America, LabCorp
Classification: Uncertain significance. Last evaluated: 2026-01-20. Review status: criteria provided, single submitter. Criteria: LabCorp Variant Classification Summary - May 2015. Collection method: clinical testing. Allele origin: germline.
Comment: Variant summary: TTN c.31484-820G>A is located at a position not widely known to affect splicing. This variant corresponds to c.36392G>A (p.Arg12131His) in NM_001267550 where it results in a non-conservative amino acid change in the encoded protein sequence. Algorithms developed to predict the effect of missense changes on protein structure and function are either unavailable or do not agree on the potential impact of this missense change. Consensus agreement among computation tools predict no significant impact on normal splicing. However, these predictions have yet to be confirmed by functional studies. The variant allele was found at a frequency of 9e-05 in 244258 control chromosomes. This frequency is not significantly higher than estimated for disease-causing variants in TTN, allowing no conclusion about variant significance. To our knowledge, no occurrence of this variant in individuals affected with TTN-related conditions and no experimental evidence demonstrating its impact on protein function have been reported. No submitters have cited clinical-significance assessments for this variant to ClinVar. Based on the evidence outlined above, the variant was classified as uncertain significance.

Blueprint Genetics
Classification: Likely benign. Last evaluated: 2024-11-11. Review status: criteria provided, single submitter. Criteria: ACMG Guidelines, 2015. Collection method: clinical testing. Allele origin: germline.

NM_001267550.2(TTN):c.36392G>A (p.Arg12131His)

Gene: TTN (titin; minus strand). Cytogenetic location: 2q31.2.
Variant type: single nucleotide variant.
Coding change: c.36392G>A on transcript NM_001267550.2 (MANE Select); coding-DNA position 36392, G replaced by A.
Protein change: p.Arg12131His; replaces arginine 12131 with histidine.
Molecular consequence: missense variant. On other transcripts: intron variant (5).
Genome position (GRCh38, 1-based): chr2:178,663,875, C>T on the plus strand (G>A on the coding strand, the complement: TTN is on the minus strand). VCF-style: chr2-178663875-C-T. GRCh37 (hg19) VCF-style: chr2-179528602-C-T.
Other names: c.13283-21558G>A (NM_003319.4); c.13859-21558G>A (NM_133437.4); c.13658-21558G>A (NM_133432.3); c.31484-820G>A (NM_133378.4); c.34265-820G>A (NM_001256850.1); short protein forms R12131H.
Identifiers: ClinVar variation 4689222 (VCV004689222.3).
Genomic context (GRCh38, chr2:178,663,875, plus strand): 5'-CTACCTTTAACAGGTGGGACTTCAGGCTCTTTAGGAGGAGCCAAGGGCACTTTCTCTTCG[C>T]GGATAACCTCTTTGGAAGCTTCTGGCACTTGAAAGATATTAGTGAAATTACATTTAGGTG-3'
Protein context (NP_001254479.2, residues 12121-12141): KVPEASKEVI[Arg12131His]EEKVPLAPPK